The following is an entry in ClinVar:

ClinVar aggregate classification (germline): Likely pathogenic (1 of 4 stars; one submission).

Submission:

GeneDx
Classification: Likely pathogenic. Last evaluated: 2015-10-03. Review status: criteria provided, single submitter. Criteria: GeneDx Variant Classification (06012015). Collection method: clinical testing. Allele origin: germline. Affected: yes.
Comment: The G633R variant in the EFTUD2 gene has not been published as a pathogenic variant, nor has it been reported as a benign polymorphism to our knowledge. The G633R variant was not observed in approximately 6500 individuals of European and African American ancestry in the NHLBI Exome Sequencing Project, indicating it is not a common benign variant in these populations. The G633R variant is a non-conservative amino acid substitution, which occurs at a position that is conserved across species. In silico analysis predicts this variant is probably damaging to the protein structure/function. A missense variant in a nearby residue (L637R) has been reported in the Human Gene Mutation Database in association with mandibulofacial dysostosis with microcephaly (Stenson et al., 2014), supporting the functional importance of this region of the protein. The G633R variant is a strong candidate for a pathogenic variant. However the possibility it may be a rare benign variant cannot be excluded.

NM_004247.4(EFTUD2):c.1897G>A (p.Gly633Arg)

Gene: EFTUD2 (elongation factor Tu GTP binding domain containing 2; minus strand). Cytogenetic location: 17q21.31.
Variant type: single nucleotide variant.
Coding change: c.1897G>A on transcript NM_004247.4 (MANE Select); coding-DNA position 1897, G replaced by A.
Protein change: p.Gly633Arg; replaces glycine 633 with arginine.
Molecular consequence: missense variant.
Genome position (GRCh38, 1-based): chr17:44,859,145, C>T on the plus strand (G>A on the coding strand, the complement: EFTUD2 is on the minus strand). VCF-style: chr17-44859145-C-T. GRCh37 (hg19) VCF-style: chr17-42936513-C-T.
Other names: c.1792G>A, p.Gly598Arg (NM_001142605.2); c.1897G>A, p.Gly633Arg (NM_001258353.2); c.1867G>A, p.Gly623Arg (NM_001258354.2); short protein forms G633R, G598R, G623R.
Identifiers: ClinVar variation 429653 (VCV000429653.2), dbSNP rs1131691511, ClinGen allele CA399810830.
Genomic context (GRCh38, chr17:44,859,145, plus strand): 5'-TGTCTATCTCTGAGTACATCTTCCGCAAATCATGCATCACACAGTCCAGGTAGAGCTCCC[C>T]AGTGCCCAGGATCACATGCTCGCCAGACTCCTCCACCTGAAACACAACAGGCAGTCACAG-3'
Protein context (NP_004238.3, residues 623-643): ESGEHVILGT[Gly633Arg]ELYLDCVMHD